The following is an entry in ClinVar:

NM_001128840.3(CACNA1D):c.3385T>G (p.Ser1129Ala)

Genes: CACNA1D (calcium voltage-gated channel subunit alpha1 D; plus strand), LOC129936904 (ATAC-STARR-seq lymphoblastoid active region 19969; plus strand). Cytogenetic location: 3p21.1.
Variant type: single nucleotide variant.
Coding change: c.3385T>G on transcript NM_001128840.3 (MANE Select); coding-DNA position 3385, T replaced by G.
Protein change: p.Ser1129Ala; replaces serine 1129 with alanine.
Molecular consequence: missense variant.
Genome position (GRCh38, 1-based): chr3:53,749,338, T>G. VCF-style: chr3-53749338-T-G. GRCh37 (hg19) VCF-style: chr3-53783365-T-G.
Other names: c.3445T>G, p.Ser1149Ala (NM_000720.4); c.3385T>G, p.Ser1129Ala (NM_001128839.3); short protein forms S1129A, S1149A.
Identifiers: ClinVar variation 1305152 (VCV001305152.2), dbSNP rs2108865289, ClinGen allele CA353248678.

ClinVar aggregate classification (germline): Uncertain significance (1 of 4 stars; one submission).

Submission:

GeneDx
Classification: Uncertain significance. Last evaluated: 2019-04-25. Review status: criteria provided, single submitter. Criteria: GeneDx Variant Classification Process June 2021. Collection method: clinical testing. Allele origin: germline. Affected: yes.
Comment: Not observed in large population cohorts (Lek et al., 2016); In silico analysis, which includes protein predictors and evolutionary conservation, supports that this variant does not alter protein structure/function; Has not been previously published as pathogenic or benign to our knowledge